The following is an entry in ClinVar:

NM_000059.4(BRCA2):c.7806-11T>G

Gene: BRCA2 (BRCA2 DNA repair associated; plus strand). Cytogenetic location: 13q13.1.
Variant type: single nucleotide variant.
Coding change: c.7806-11T>G on transcript NM_000059.4 (MANE Select); 11 bases into the intron before coding-DNA position 7806, T replaced by G.
Molecular consequence: intron variant.
Genome position (GRCh38, 1-based): chr13:32,362,512, T>G. VCF-style: chr13-32362512-T-G. GRCh37 (hg19) VCF-style: chr13-32936649-T-G.
Other names: c.7806-11T>G (NM_001406720.1); c.7710-11T>G (NM_001406719.1); c.2874-11T>G (NM_001406721.1); c.1389-11T>G (NM_001406722.1).
Identifiers: ClinVar variation 2702372 (VCV002702372.3), dbSNP rs747906969, ClinGen allele CA6941159.

ClinVar aggregate classification (germline): Uncertain significance (1 of 4 stars; one submission).

Conditions:
Hereditary breast ovarian cancer syndrome. Also called: Hereditary breast and/or ovarian cancer syndrome; Hereditary breast and ovarian cancer syndrome (HBOC); Breast and ovarian cancer; Hereditary breast and ovarian cancer syndrome; Hereditary breast and ovarian cancer; BRCA1- and BRCA2-Associated Hereditary Breast and Ovarian Cancer. Identifiers: Orphanet 145, MedGen C0677776, MeSH D061325, MONDO:0003582. Disease mechanism: loss of function.

Allele frequency attached by ClinVar (database versions not stated): ExAC 0.00001.
gnomAD v4.1: 2 of 1,612,528 alleles (0.00012%); highest among the groups gnomAD compares: South Asian, 0.0022%; no homozygotes.

Submission:

Labcorp Genetics (formerly Invitae), Labcorp
Classification: Uncertain significance for Hereditary breast ovarian cancer syndrome. Last evaluated: 2023-12-12. Review status: criteria provided, single submitter. Criteria: Invitae Variant Classification Sherloc (09022015). Collection method: clinical testing. Allele origin: germline.
Comment: This sequence change falls in intron 16 of the BRCA2 gene. It does not directly change the encoded amino acid sequence of the BRCA2 protein. This variant is not present in population databases (gnomAD no frequency). This variant has not been reported in the literature in individuals affected with BRCA2-related conditions. Algorithms developed to predict the effect of sequence changes on RNA splicing suggest that this variant may disrupt the consensus splice site. In summary, the available evidence is currently insufficient to determine the role of this variant in disease. Therefore, it has been classified as a Variant of Uncertain Significance.